The following is an entry in ClinVar:

NM_000384.3(APOB):c.6122A>G (p.Glu2041Gly)

Gene: APOB (apolipoprotein B; minus strand). Cytogenetic location: 2p24.1.
Variant type: single nucleotide variant.
Coding change: c.6122A>G on transcript NM_000384.3 (MANE Select); coding-DNA position 6122, A replaced by G.
Protein change: p.Glu2041Gly; replaces glutamic acid 2041 with glycine.
Molecular consequence: missense variant.
Genome position (GRCh38, 1-based): chr2:21,010,746, T>C on the plus strand (A>G on the coding strand, the complement: APOB is on the minus strand). VCF-style: chr2-21010746-T-C. GRCh37 (hg19) VCF-style: chr2-21233618-T-C.
Other names: short protein forms E2041G.
Identifiers: ClinVar variation 2451290 (VCV002451290.2), dbSNP rs2465372565, ClinGen allele CA346002588.

ClinVar aggregate classification (germline): Uncertain significance (1 of 4 stars; one submission).

Conditions:
Cardiovascular phenotype. Identifiers: MedGen CN230736.

Allele frequency attached by ClinVar (database versions not stated): gnomAD exomes below 0.00001.
gnomAD v4.1: 2 of 1,614,122 alleles (0.00012%); highest among the groups gnomAD compares: Non-Finnish European, 0.00017%; no homozygotes.

Submission:

Ambry Genetics
Classification: Uncertain significance for Cardiovascular phenotype. Last evaluated: 2022-11-19. Review status: criteria provided, single submitter. Criteria: Ambry Variant Classification Scheme 2023. Collection method: clinical testing. Allele origin: germline.
Comment: The p.E2041G variant (also known as c.6122A>G), located in coding exon 26 of the APOB gene, results from an A to G substitution at nucleotide position 6122. The glutamic acid at codon 2041 is replaced by glycine, an amino acid with similar properties. This amino acid position is conserved. In addition, this alteration is predicted to be tolerated by in silico analysis. Since supporting evidence is limited at this time, the clinical significance of this alteration remains unclear.